The following is an entry in ClinVar:

ClinVar aggregate classification (germline): Pathogenic (1 of 4 stars; one submission).

Conditions:
Familial cancer of breast. Also called: BREAST CANCER, FAMILIAL; Hereditary breast cancer; hereditary breast carcinoma. Identifiers: Orphanet 227535, MedGen C0346153, MONDO:0016419, OMIM 114480. Disease mechanism: loss of function.

Submission:

Labcorp Genetics (formerly Invitae), Labcorp
Classification: Pathogenic for Hereditary Breast Carcinoma. Last evaluated: 2019-09-23. Review status: criteria provided, single submitter. Criteria: Invitae Variant Classification Sherloc (09022015). Collection method: clinical testing. Allele origin: germline.
Comment: This variant is a gross deletion of the genomic region encompassing exons 1-9 of the BARD1 gene, which includes the initiator codon. The 5' end of this event is unknown as it extends beyond the assayed region for this gene and therefore may encompass additional genes. The 3' boundary is likely confined to intron 9 of the BARD1 gene. This is expected to result in an absent or disrupted protein product. This variant has not been reported in the literature in individuals with BARD1-related conditions. Loss-of-function variants in BARD1 are known to be pathogenic (PMID: 20077502, 21344236). For these reasons, this variant has been classified as Pathogenic.

NC_000002.12:g.(?_214745057)_(214809579_?)del

Gene: BARD1 (BRCA1 associated RING domain 1; minus strand). Cytogenetic location: 2q35.
Variant type: Deletion.
Identifiers: ClinVar variation 832821 (VCV000832821.2).